The following is an entry in ClinVar:

ClinVar aggregate classification (germline): Uncertain significance. Review status: criteria provided, multiple submitters, no conflicts (2 of 4 stars). 3 submissions from 3 submitters: Uncertain significance (3). Last evaluated 2025-07-30.

Conditions:
Hereditary cancer-predisposing syndrome. Also called: Neoplastic Syndromes, Hereditary; Tumor predisposition; Hereditary Cancer Syndrome; Hereditary neoplastic syndrome. Identifiers: Orphanet 140162, MedGen C0027672, MeSH D009386, MONDO:0015356.
Hereditary nonpolyposis colorectal neoplasms. Identifiers: MedGen C0009405, MeSH D003123.

Submissions (3):

Labcorp Genetics (formerly Invitae), Labcorp
Classification: Uncertain significance for Hereditary nonpolyposis colorectal neoplasms. Last evaluated: 2025-07-30. Review status: criteria provided, single submitter. Criteria: Invitae Variant Classification Sherloc (09022015). Collection method: clinical testing. Allele origin: germline.
Comment: This sequence change replaces methionine, which is neutral and non-polar, with leucine, which is neutral and non-polar, at codon 837 of the PMS2 protein (p.Met837Leu). The frequency data for this variant in the population databases (gnomAD) is considered unreliable due to the presence of homologous sequence, such as pseudogenes or paralogs, in the genome. This variant has not been reported in the literature in individuals affected with PMS2-related conditions. ClinVar contains an entry for this variant (Variation ID: 821394). Invitae Evidence Modeling incorporating data from in vitro experimental studies (internal data) indicates that this missense variant is not expected to disrupt PMS2 function with a negative predictive value of 95%. In summary, the available evidence is currently insufficient to determine the role of this variant in disease. Therefore, it has been classified as a Variant of Uncertain Significance.

Color Diagnostics, LLC DBA Color Health
Classification: Uncertain significance for Hereditary cancer-predisposing syndrome. Last evaluated: 2023-02-06. Review status: criteria provided, single submitter. Criteria: ACMG Guidelines, 2015. Collection method: clinical testing. Allele origin: germline.
Comment: This missense variant replaces methionine with leucine at codon 837 of the PMS2 protein. Computational prediction suggests that this variant may not impact protein structure and function (internally defined REVEL score threshold <= 0.5, PMID: 27666373). To our knowledge, functional studies have not been reported for this variant. This variant has not been reported in individuals affected with PMS2-related disorders in the literature. This variant has not been identified in the general population by the Genome Aggregation Database (gnomAD). The available evidence is insufficient to determine the role of this variant in disease conclusively. Therefore, this variant is classified as a Variant of Uncertain Significance.

Ambry Genetics
Classification: Uncertain significance for Hereditary cancer-predisposing syndrome. Last evaluated: 2022-12-05. Review status: criteria provided, single submitter. Criteria: Ambry Variant Classification Scheme 2023. Collection method: clinical testing. Allele origin: germline.
Comment: The p.M837L variant (also known as c.2509A>T), located in coding exon 15 of the PMS2 gene, results from an A to T substitution at nucleotide position 2509. The methionine at codon 837 is replaced by leucine, an amino acid with highly similar properties. This amino acid position is not well conserved in available vertebrate species. In addition, this alteration is predicted to be tolerated by in silico analysis. Since supporting evidence is limited at this time, the clinical significance of this alteration remains unclear.

NM_000535.7(PMS2):c.2509A>T (p.Met837Leu)

Gene: PMS2 (PMS1 homolog 2, mismatch repair system component; minus strand). Cytogenetic location: 7p22.1.
Variant type: single nucleotide variant.
Coding change: c.2509A>T on transcript NM_000535.7 (MANE Select); coding-DNA position 2509, A replaced by T.
Protein change: p.Met837Leu; replaces methionine 837 with leucine.
Molecular consequence: missense variant. On other transcripts: non-coding transcript variant (1).
Genome position (GRCh38, 1-based): chr7:5,973,479, T>A on the plus strand (A>T on the coding strand, the complement: PMS2 is on the minus strand). VCF-style: chr7-5973479-T-A. GRCh37 (hg19) VCF-style: chr7-6013110-T-A.
Other names: c.2200A>T, p.Met734Leu (NM_001322015.2); c.2104A>T, p.Met702Leu (NM_001322003.2, NM_001322004.2, NM_001322005.2); c.2353A>T, p.Met785Leu (NM_001322006.2); c.2191A>T, p.Met731Leu (NM_001322007.2, NM_001322008.2); c.2137A>T, p.Met713Leu (NM_001322009.2); c.1948A>T, p.Met650Leu (NM_001322010.2); c.1576A>T, p.Met526Leu (NM_001322011.2, NM_001322012.2); c.1936A>T, p.Met646Leu (NM_001322013.2); and 1 more; short protein forms M731L, M785L, M837L, M646L, M702L, M848L, M526L, M650L.
Identifiers: ClinVar variation 821394 (VCV000821394.15), dbSNP rs1583269633, ClinGen allele CA366734905.
Genomic context (GRCh38, chr7:5,973,479, plus strand): 5'-CCAGGTTGGCGATGTGTCTCATGGTTGGCCTTCCATGGGGACAGTTCCAGGGGTGGTCCA[T>A]CTCCCCCATGTGGGTGATCAGTTTCTTCATCTCGCTTGTGTTAAGAGCAGTCCCAATCAT-3'
Protein context (NP_000526.2, residues 827-847): MKKLITHMGE[Met837Leu]DHPWNCPHGR